The following is an entry in ClinVar:

NM_000275.3(OCA2):c.1555del (p.Val519fs)

Gene: OCA2 (OCA2 melanosomal transmembrane protein; minus strand). Cytogenetic location: 15q13.1.
Variant type: Deletion.
Coding change: c.1555del on transcript NM_000275.3 (MANE Select); coding-DNA position 1555, one base deleted (G; older notation c.1555delG).
Protein change: p.Val519fs; shifts the reading frame from valine 519.
Molecular consequence: frameshift variant.
Genome position (GRCh38, 1-based): chr15:27,966,771, C deleted on the plus strand (G on the coding strand, the reverse complement: OCA2 is on the minus strand). VCF-style (leftmost placement, unchanged base first): chr15-27966770-AC-A. GRCh37 (hg19) VCF-style: chr15-28211916-AC-A.
Other names: c.1483del, p.Val495fs (NM_001300984.2); c.1555delG (NM_000275.2); short protein forms V495fs, V519fs.
Identifiers: ClinVar variation 1458413 (VCV001458413.7), dbSNP rs765235945, ClinGen allele CA7438992.

ClinVar aggregate classification (germline): Pathogenic/Likely pathogenic. Review status: criteria provided, multiple submitters, no conflicts (2 of 4 stars). 3 submissions from 3 submitters: Pathogenic (2); Likely pathogenic (1). Last evaluated 2024-12-02.

Conditions:
OCA2-related disorder. Also called: OCA2-related condition.

Allele frequency attached by ClinVar (database versions not stated): gnomAD exomes below 0.00001 and 0.00001; gnomAD 0.00001; TOPMed 0.00001; ExAC 0.00002.

Submissions (3):

Labcorp Genetics (formerly Invitae), Labcorp
Classification: Pathogenic. Last evaluated: 2024-12-02. Review status: criteria provided, single submitter. Criteria: Invitae Variant Classification Sherloc (09022015). Collection method: clinical testing. Allele origin: germline.
Comment: This sequence change creates a premature translational stop signal (p.Val519Phefs*29) in the OCA2 gene. It is expected to result in an absent or disrupted protein product. Loss-of-function variants in OCA2 are known to be pathogenic (PMID: 19865097, 21541274). This variant is present in population databases (rs765235945, gnomAD 0.01%). This premature translational stop signal has been observed in individual(s) with clinical features of oculocutaneous albinism (PMID: 15712365). ClinVar contains an entry for this variant (Variation ID: 1458413). For these reasons, this variant has been classified as Pathogenic.

PreventionGenetics, part of Exact Sciences
Classification: Pathogenic for OCA2-related condition. Last evaluated: 2023-05-08. Review status: criteria provided, single submitter. Criteria: ACMG Guidelines, 2015. Collection method: clinical testing. Allele origin: germline.
Comment: The OCA2 c.1555delG variant is predicted to result in a frameshift and premature protein termination (p.Val519Phefs*29). This variant has been reported in an individual with oculocutaneous albinism (Oetting et al. 2005. PubMed ID: 15712365). This variant is reported in 0.012% of alleles in individuals of African descent in gnomAD. Frameshift variants in OCA2 are expected to be pathogenic. Given all the evidence, we interpret c.1555del (p.Val519Phefs*29) as pathogenic.

Blueprint Genetics
Classification: Likely pathogenic for OCA2-related disorders. Last evaluated: 2022-11-17. Review status: criteria provided, single submitter. Criteria: ACMG Guidelines, 2015. Collection method: clinical testing. Allele origin: germline. Affected: yes. Observed: 1 variant allele.

Literature cited by the submitters: PubMed 19865097 (cited by Labcorp Genetics (formerly Invitae), Labcorp); PubMed 21541274 (cited by Labcorp Genetics (formerly Invitae), Labcorp); PubMed 15712365 (cited by Labcorp Genetics (formerly Invitae), Labcorp).